The following is an entry in ClinVar:

ClinVar aggregate classification (germline): Uncertain significance (1 of 4 stars; one submission).

Conditions:
Combined immunodeficiency due to OX40 deficiency. Also called: OX40 DEFICIENCY; Immunodeficiency 16. Identifiers: Orphanet 431149, MedGen C3810053, MONDO:0014268, OMIM 615593.

Submission:

Labcorp Genetics (formerly Invitae), Labcorp
Classification: Uncertain significance for Combined immunodeficiency due to OX40 deficiency. Last evaluated: 2022-05-27. Review status: criteria provided, single submitter. Criteria: Invitae Variant Classification Sherloc (09022015). Collection method: clinical testing. Allele origin: germline.
Comment: This sequence change creates a premature translational stop signal (p.Ser38Alafs*16) in the TNFRSF4 gene. It is expected to result in an absent or disrupted protein product. However, the current clinical and genetic evidence is not sufficient to establish whether loss-of-function variants in TNFRSF4 cause disease. This variant is not present in population databases (gnomAD no frequency). In summary, the available evidence is currently insufficient to determine the role of this variant in disease. Therefore, it has been classified as a Variant of Uncertain Significance. This variant has not been reported in the literature in individuals affected with TNFRSF4-related conditions.

NM_003327.4(TNFRSF4):c.111del (p.Ser38fs)

Gene: TNFRSF4 (TNF receptor superfamily member 4; minus strand). Cytogenetic location: 1p36.33.
Variant type: Deletion.
Coding change: c.111del on transcript NM_003327.4 (MANE Select); coding-DNA position 111, one base deleted (C; older notation c.111delC).
Protein change: p.Ser38fs; shifts the reading frame from serine 38.
Molecular consequence: frameshift variant.
Genome position (GRCh38, 1-based): chr1:1,214,017, G deleted on the plus strand (C on the coding strand, the reverse complement: TNFRSF4 is on the minus strand); the first of 4 consecutive G bases (chr1:1,214,017-1,214,020); deleting any one gives the same sequence. VCF-style (leftmost placement, unchanged base first): chr1-1214016-TG-T. GRCh37 (hg19) VCF-style: chr1-1149396-TG-T.
Other names: c.108delC, p.Ser38Alafs (NM_001410709.1); short protein forms S38fs.
Identifiers: ClinVar variation 1999327 (VCV001999327.4), dbSNP rs2521781570, ClinGen allele CA2574291019.